The following is an entry in ClinVar:

NM_001122752.2(SERPINI1):c.76A>G (p.Ile26Val)

Gene: SERPINI1 (serpin family I member 1; plus strand). Cytogenetic location: 3q26.1.
Variant type: single nucleotide variant.
Coding change: c.76A>G on transcript NM_001122752.2 (MANE Select); coding-DNA position 76, A replaced by G.
Protein change: p.Ile26Val; replaces isoleucine 26 with valine.
Molecular consequence: missense variant.
Genome position (GRCh38, 1-based): chr3:167,789,204, A>G. VCF-style: chr3-167789204-A-G. GRCh37 (hg19) VCF-style: chr3-167506992-A-G.
Other names: c.76A>G, p.Ile26Val (NM_005025.5); short protein forms I26V.
Identifiers: ClinVar variation 952379 (VCV000952379.12), dbSNP rs372678518, ClinGen allele CA2694729.

ClinVar aggregate classification (germline): Conflicting classifications of pathogenicity. Review status: criteria provided, conflicting classifications (1 of 4 stars). 4 submissions from 4 submitters: Uncertain significance (1); Likely benign (1). 2 of the submissions do not count toward it. Last evaluated 2025-10-27.

Conditions:
Familial encephalopathy with neuroserpin inclusion bodies. Also called: ENCEPHALOPATHY, FAMILIAL, WITH COLLINS BODIES. Identifiers: Orphanet 85110, MedGen C1858680, MONDO:0011412, OMIM 604218.
Inborn genetic diseases. Identifiers: MedGen C0950123, MeSH D030342.

Allele frequency attached by ClinVar (database versions not stated): ExAC 0.00002; gnomAD exomes 0.00004; gnomAD 0.00005; TOPMed 0.00005; ESP Exome Variant Server 0.00008.
gnomAD v4.1: 59 of 1,614,096 alleles (0.0037%); highest among the groups gnomAD compares: Admixed American, 0.0067%; no homozygotes.

Submissions (4):

Labcorp Genetics (formerly Invitae), Labcorp
Classification: Uncertain significance for Familial encephalopathy with neuroserpin inclusion bodies. Last evaluated: 2025-10-27. Review status: criteria provided, single submitter. Criteria: Invitae Variant Classification Sherloc (09022015). Collection method: clinical testing. Allele origin: germline.
Comment: This sequence change replaces isoleucine, which is neutral and non-polar, with valine, which is neutral and non-polar, at codon 26 of the SERPINI1 protein (p.Ile26Val). This variant is present in population databases (rs372678518, gnomAD 0.009%). This variant has not been reported in the literature in individuals affected with SERPINI1-related conditions. ClinVar contains an entry for this variant (Variation ID: 952379). Invitae Evidence Modeling of protein sequence and biophysical properties (such as structural, functional, and spatial information, amino acid conservation, physicochemical variation, residue mobility, and thermodynamic stability) indicates that this missense variant is not expected to disrupt SERPINI1 protein function with a negative predictive value of 80%. In summary, the available evidence is currently insufficient to determine the role of this variant in disease. Therefore, it has been classified as a Variant of Uncertain Significance.

Ambry Genetics
Classification: Likely benign for Inborn genetic diseases. Last evaluated: 2021-08-13. Review status: criteria provided, single submitter. Criteria: Ambry Variant Classification Scheme 2023. Collection method: clinical testing. Allele origin: germline.

Clinical Genetics DNA and cytogenetics Diagnostics Lab, Erasmus MC, Erasmus Medical Center
Classification: Likely benign. Review status: no assertion criteria provided. Collection method: clinical testing. Allele origin: germline. Affected: yes. Study: VKGL Data-share Consensus. Not counted in ClinVar's aggregate classification.

Genome Diagnostics Laboratory, Amsterdam University Medical Center
Classification: Likely benign. Review status: no assertion criteria provided. Collection method: clinical testing. Allele origin: germline. Affected: yes. Study: VKGL Data-share Consensus. Not counted in ClinVar's aggregate classification.

Literature cited by the submitters: PubMed 28518168 (cited by Ambry Genetics); PubMed 32461654 (cited by Ambry Genetics).